The following is an entry in ClinVar:

NM_012120.3(CD2AP):c.1898A>G (p.Lys633Arg)

Gene: CD2AP (CD2 associated protein; plus strand). Cytogenetic location: 6p12.3.
Variant type: single nucleotide variant.
Coding change: c.1898A>G on transcript NM_012120.3 (MANE Select); coding-DNA position 1898, A replaced by G.
Protein change: p.Lys633Arg; replaces lysine 633 with arginine.
Molecular consequence: missense variant.
Genome position (GRCh38, 1-based): chr6:47,624,205, A>G. VCF-style: chr6-47624205-A-G. GRCh37 (hg19) VCF-style: chr6-47591941-A-G.
Other names: short protein forms K633R.
Identifiers: ClinVar variation 260188 (VCV000260188.19), dbSNP rs116754410, ClinGen allele CA3844505.

ClinVar aggregate classification (germline): Benign/Likely benign. Review status: criteria provided, multiple submitters, no conflicts (2 of 4 stars). 6 submissions from 6 submitters: Benign (3); Likely benign (3). Last evaluated 2025-12-15.

Conditions:
Focal segmental glomerulosclerosis 3, susceptibility to (FSGS3). Identifiers: Orphanet 656, MedGen C1842982, MONDO:0011917, OMIM 607832.
Focal segmental glomerulosclerosis (FSGS). Also called: Glomerulosclerosis, focal; Focal sclerosis with hyalinosis. Identifiers: MedGen C0017668, MONDO:0100313, HP:0000097. Disease mechanism: loss of function.

Allele frequency attached by ClinVar (database versions not stated): gnomAD exomes 0.00213 and 0.00076; ExAC 0.00274; gnomAD 0.00792 and 0.00844; ESP Exome Variant Server 0.00877; TOPMed 0.00901; 1000 Genomes Project 0.01178; 1000 Genomes Project 30x 0.01218.
gnomAD v4.1: 2,334 of 1,612,410 alleles (0.14%); highest among the groups gnomAD compares: African/African-American, 2.8%; 29 homozygotes.

Submissions (6):

Labcorp Genetics (formerly Invitae), Labcorp
Classification: Benign. Last evaluated: 2025-12-15. Review status: criteria provided, single submitter. Criteria: Invitae Variant Classification Sherloc (09022015). Collection method: clinical testing. Allele origin: germline.

GeneDx
Classification: Likely benign. Last evaluated: 2020-03-11. Review status: criteria provided, single submitter. Criteria: GeneDx Variant Classification Process June 2021. Collection method: clinical testing. Allele origin: germline. Affected: yes.
Comment: This variant is associated with the following publications: (PMID: 26101835)

Genome Diagnostics Laboratory, The Hospital for Sick Children
Classification: Likely benign for Focal segmental glomerulosclerosis. Last evaluated: 2018-10-01. Review status: criteria provided, single submitter. Criteria: ACMG Guidelines, 2015. Collection method: clinical testing. Allele origin: germline.

Illumina Laboratory Services, Illumina
Classification: Benign for Focal segmental glomerulosclerosis 3, susceptibility to. Last evaluated: 2018-01-12. Review status: criteria provided, single submitter. Criteria: ICSL Variant Classification Criteria 13 December 2019. Collection method: clinical testing. Allele origin: germline.
Comment: This variant was observed in the ICSL laboratory as part of a predisposition screen in an ostensibly healthy population. It had not been previously curated by ICSL or reported in the Human Gene Mutation Database (HGMD: prior to June 1st, 2018), and was therefore a candidate for classification through an automated scoring system. Utilizing variant allele frequency, disease prevalence and penetrance estimates, and inheritance mode, an automated score was calculated to assess if this variant is too frequent to cause the disease. Based on the score and internal cut-off values, a variant classified as benign is not then subjected to further curation. The score for this variant resulted in a classification of benign for this disease.

Breakthrough Genomics
Classification: Likely benign. Review status: criteria provided, single submitter. Criteria: ACMG Guidelines, 2015. Collection method: not provided. Allele origin: germline. Inheritance: Unknown mechanism. Affected: yes.

PreventionGenetics, part of Exact Sciences
Classification: Benign. Review status: criteria provided, single submitter. Criteria: ACMG Guidelines, 2015. Collection method: clinical testing. Allele origin: germline.